The following is an entry in ClinVar:

NM_003482.4(KMT2D):c.16310A>G (p.Asn5437Ser)

Gene: KMT2D (lysine methyltransferase 2D; minus strand). Cytogenetic location: 12q13.12.
Variant type: single nucleotide variant.
Coding change: c.16310A>G on transcript NM_003482.4 (MANE Select); coding-DNA position 16310, A replaced by G.
Protein change: p.Asn5437Ser; replaces asparagine 5437 with serine.
Molecular consequence: missense variant.
Genome position (GRCh38, 1-based): chr12:49,022,618, T>C on the plus strand (A>G on the coding strand, the complement: KMT2D is on the minus strand). VCF-style: chr12-49022618-T-C. GRCh37 (hg19) VCF-style: chr12-49416401-T-C.
Other names: short protein forms N5437S.
Identifiers: ClinVar variation 1307532 (VCV001307532.2), dbSNP rs2137706291, ClinGen allele CA384677495.
Genomic context (GRCh38, chr12:49,022,618, plus strand): 5'-TGCACCACAATGGCCCCTCTGCCAGCTCATACCTGCTCTTCGTAGATTTTCTCCCGCCGG[T>C]TGGCCACCTCGTTCCGAATGATGGTGCCAATGTACTCGATAACCATTGTGTGCTTTTCTA-3'
Protein context (NP_003473.3, residues 5427-5447): IGTIIRNEVA[Asn5437Ser]RREKIYEEQN

ClinVar aggregate classification (germline): Uncertain significance (1 of 4 stars; one submission).

Submission:

GeneDx
Classification: Uncertain significance. Last evaluated: 2019-08-01. Review status: criteria provided, single submitter. Criteria: GeneDx Variant Classification Process June 2021. Collection method: clinical testing. Allele origin: germline. Affected: yes.
Comment: Has not been previously published as pathogenic or benign to our knowledge; Not observed in large population cohorts (Lek et al., 2016); In silico analysis, which includes protein predictors and evolutionary conservation, supports a deleterious effect; This variant is associated with the following publications: (PMID: 27257261, 28336670, 26366712, 28732206)